The following is an entry in ClinVar:

NM_000744.7(CHRNA4):c.718C>T (p.Arg240Trp)

Gene: CHRNA4 (cholinergic receptor nicotinic alpha 4 subunit; minus strand). Cytogenetic location: 20q13.33.
Variant type: single nucleotide variant.
Coding change: c.718C>T on transcript NM_000744.7 (MANE Select); coding-DNA position 718, C replaced by T.
Protein change: p.Arg240Trp; replaces arginine 240 with tryptophan.
Molecular consequence: missense variant. On other transcripts: non-coding transcript variant (1).
Genome position (GRCh38, 1-based): chr20:63,350,693, G>A on the plus strand (C>T on the coding strand, the complement: CHRNA4 is on the minus strand). VCF-style: chr20-63350693-G-A. GRCh37 (hg19) VCF-style: chr20-61982045-G-A.
Other names: c.190C>T, p.Arg64Trp (NM_001256573.2); short protein forms R240W, R64W.
Identifiers: ClinVar variation 422228 (VCV000422228.6), dbSNP rs757030850, ClinGen allele CA9957745.

ClinVar aggregate classification (germline): Uncertain significance. Review status: criteria provided, multiple submitters, no conflicts (2 of 4 stars). 2 submissions from 2 submitters: Uncertain significance (2). Last evaluated 2024-10-24.

Conditions:
Familial sleep-related hypermotor epilepsy. Also called: Autosomal Dominant Sleep-Related Hypermotor (Hyperkinetic) Epilepsy. Identifiers: Orphanet 98784, MedGen C3696898, MONDO:0000030.

Allele frequency attached by ClinVar (database versions not stated): gnomAD 0.00001; TOPMed 0.00001; gnomAD exomes 0.00002; ExAC 0.00002.
gnomAD v4.1: 29 of 1,613,794 alleles (0.0018%); highest among the groups gnomAD compares: South Asian, 0.0022%; no homozygotes.

Submissions (2):

Labcorp Genetics (formerly Invitae), Labcorp
Classification: Uncertain significance. Last evaluated: 2024-10-24. Review status: criteria provided, single submitter. Criteria: Invitae Variant Classification Sherloc (09022015). Collection method: clinical testing. Allele origin: germline.
Comment: This sequence change replaces arginine, which is basic and polar, with tryptophan, which is neutral and slightly polar, at codon 240 of the CHRNA4 protein (p.Arg240Trp). This variant is present in population databases (rs757030850, gnomAD 0.006%). This variant has not been reported in the literature in individuals affected with CHRNA4-related conditions. This missense change has been observed in at least one individual who was not affected with CHRNA4-related conditions (internal data). ClinVar contains an entry for this variant (Variation ID: 422228). Invitae Evidence Modeling of protein sequence and biophysical properties (such as structural, functional, and spatial information, amino acid conservation, physicochemical variation, residue mobility, and thermodynamic stability) indicates that this missense variant is expected to disrupt CHRNA4 protein function with a positive predictive value of 80%. In summary, the available evidence is currently insufficient to determine the role of this variant in disease. Therefore, it has been classified as a Variant of Uncertain Significance.

GeneDx
Classification: Uncertain significance. Last evaluated: 2016-09-15. Review status: criteria provided, single submitter. Criteria: GeneDx Variant Classification (06012015). Collection method: clinical testing. Allele origin: germline. Affected: yes.
Comment: The R240W variant in the CHRNA4 gene has not been reported previously as a pathogenic variant, nor as a benign variant, to our knowledge. The R240W variant was not observed in approximately 6500 individuals of European and African American ancestry in the NHLBI Exome Sequencing Project, indicating it is not a common benign variant in these populations. The R240W variant is a non-conservative amino acid substitution, which is likely to impact secondary protein structure as these residues differ in polarity, charge, size and/or other properties. This substitution occurs at a position that is conserved across species. In silico analysis predicts this variant is probably damaging to the protein structure/function. We interpret R240W as a variant of uncertain significance.